The following is an entry in ClinVar:

ClinVar aggregate classification (germline): Uncertain significance (1 of 4 stars; one submission).

Submission:

Ambry Genetics
Classification: Uncertain significance. Last evaluated: 2025-11-17. Review status: criteria provided, single submitter. Criteria: Ambry Variant Classification Scheme 2023. Collection method: clinical testing. Allele origin: germline.
Comment: The p.C818F variant (also known as c.2453G>T), located in coding exon 1 of the MLH3 gene, results from a G to T substitution at nucleotide position 2453. The cysteine at codon 818 is replaced by phenylalanine, an amino acid with highly dissimilar properties. This amino acid position is conserved. In addition, this alteration is predicted to be tolerated by in silico analysis. Based on the available evidence, the clinical significance of this variant remains unclear.

NM_001040108.2(MLH3):c.2453G>T (p.Cys818Phe)

Gene: MLH3 (mutL homolog 3; minus strand). Cytogenetic location: 14q24.3.
Variant type: single nucleotide variant.
Coding change: c.2453G>T on transcript NM_001040108.2 (MANE Select); coding-DNA position 2453, G replaced by T.
Protein change: p.Cys818Phe; replaces cysteine 818 with phenylalanine.
Molecular consequence: missense variant.
Genome position (GRCh38, 1-based): chr14:75,047,203, C>A on the plus strand (G>T on the coding strand, the complement: MLH3 is on the minus strand). VCF-style: chr14-75047203-C-A. GRCh37 (hg19) VCF-style: chr14-75513906-C-A.
Other names: c.2453G>T, p.Cys818Phe (NM_014381.3); short protein forms C818F.
Identifiers: ClinVar variation 4552120 (VCV004552120.1).